The following is an entry in ClinVar:

ClinVar aggregate classification (germline): Uncertain significance (1 of 4 stars; one submission).

Conditions:
Hereditary sensory and autonomic neuropathy type 7. Also called: Neuropathy, hereditary sensory and autonomic, type VII; HSAN VII. Identifiers: Orphanet 391397, MedGen C3809882, MONDO:0014244, OMIM 615548.
Familial episodic pain syndrome with predominantly lower limb involvement. Also called: Episodic pain syndrome, familial, 3. Identifiers: Orphanet 391384, Orphanet 391392, MedGen C3809899, MONDO:0014247, OMIM 615552.

Allele frequency attached by ClinVar (database versions not stated): gnomAD exomes below 0.00001.
gnomAD v4.1: 2 of 1,612,948 alleles (0.00012%); highest among the groups gnomAD compares: Non-Finnish European, 0.00017%; no homozygotes.

Submission:

Labcorp Genetics (formerly Invitae), Labcorp
Classification: Uncertain significance for Familial episodic pain syndrome with predominantly lower limb involvement; Hereditary sensory and autonomic neuropathy type 7. Last evaluated: 2023-06-17. Review status: criteria provided, single submitter. Criteria: Invitae Variant Classification Sherloc (09022015). Collection method: clinical testing. Allele origin: germline.
Comment: This sequence change replaces glutamic acid, which is acidic and polar, with lysine, which is basic and polar, at codon 327 of the SCN11A protein (p.Glu327Lys). This variant is not present in population databases (gnomAD no frequency). This variant has not been reported in the literature in individuals affected with SCN11A-related conditions. Advanced modeling of protein sequence and biophysical properties (such as structural, functional, and spatial information, amino acid conservation, physicochemical variation, residue mobility, and thermodynamic stability) performed at Invitae indicates that this missense variant is not expected to disrupt SCN11A protein function. Algorithms developed to predict the effect of sequence changes on RNA splicing suggest that this variant may disrupt the consensus splice site. In summary, the available evidence is currently insufficient to determine the role of this variant in disease. Therefore, it has been classified as a Variant of Uncertain Significance.

NM_001349253.2(SCN11A):c.979G>A (p.Glu327Lys)

Gene: SCN11A (sodium voltage-gated channel alpha subunit 11; minus strand). Cytogenetic location: 3p22.2.
Variant type: single nucleotide variant.
Coding change: c.979G>A on transcript NM_001349253.2 (MANE Select); coding-DNA position 979, G replaced by A.
Protein change: p.Glu327Lys; replaces glutamic acid 327 with lysine.
Molecular consequence: missense variant.
Genome position (GRCh38, 1-based): chr3:38,910,188, C>T on the plus strand (G>A on the coding strand, the complement: SCN11A is on the minus strand). VCF-style: chr3-38910188-C-T. GRCh37 (hg19) VCF-style: chr3-38951679-C-T.
Other names: c.979G>A, p.Glu327Lys (NM_014139.3); short protein forms E327K.
Identifiers: ClinVar variation 2923428 (VCV002923428.3), dbSNP rs1553639670, ClinGen allele CA352168770.